The following is an entry in ClinVar:

ClinVar aggregate classification (germline): Uncertain significance. Review status: criteria provided, multiple submitters, no conflicts (2 of 4 stars). 2 submissions from 2 submitters: Uncertain significance (2). Last evaluated 2026-01-20.

Allele frequency attached by ClinVar (database versions not stated): gnomAD 0.00002; TOPMed 0.00002; gnomAD exomes 0.00004 and 0.00005; ExAC 0.00005.
gnomAD v4.1: 64 of 1,612,618 alleles (0.004%); highest among the groups gnomAD compares: East Asian, 0.0089%; no homozygotes.

Submissions (2):

Labcorp Genetics (formerly Invitae), Labcorp
Classification: Uncertain significance. Last evaluated: 2026-01-20. Review status: criteria provided, single submitter. Criteria: Invitae Variant Classification Sherloc (09022015). Collection method: clinical testing. Allele origin: germline.
Comment: This sequence change replaces arginine, which is basic and polar, with tryptophan, which is neutral and slightly polar, at codon 504 of the MKL1 protein (p.Arg504Trp). This variant is present in population databases (rs201900528, gnomAD 0.01%). This variant has not been reported in the literature in individuals affected with MKL1-related conditions. ClinVar contains an entry for this variant (Variation ID: 1683035). An algorithm developed to predict the effect of missense changes on protein structure and function (PolyPhen-2) suggests that this variant is likely to be disruptive. In summary, the available evidence is currently insufficient to determine the role of this variant in disease. Therefore, it has been classified as a Variant of Uncertain Significance.

Ambry Genetics
Classification: Uncertain significance. Last evaluated: 2025-01-22. Review status: criteria provided, single submitter. Criteria: Ambry Variant Classification Scheme 2023. Collection method: clinical testing. Allele origin: germline.

NM_020831.6(MRTFA):c.1810C>T (p.Arg604Trp)

Gene: MRTFA (myocardin related transcription factor A; minus strand). Cytogenetic location: 22q13.1.
Variant type: single nucleotide variant.
Coding change: c.1810C>T on transcript NM_020831.6 (MANE Select); coding-DNA position 1810, C replaced by T.
Protein change: p.Arg604Trp; replaces arginine 604 with tryptophan.
Molecular consequence: missense variant.
Genome position (GRCh38, 1-based): chr22:40,418,928, G>A on the plus strand (C>T on the coding strand, the complement: MRTFA is on the minus strand). VCF-style: chr22-40418928-G-A. GRCh37 (hg19) VCF-style: chr22-40814932-G-A.
Other names: c.1510C>T, p.Arg504Trp (NM_001282660.2); c.1660C>T, p.Arg554Trp (NM_001282661.3); c.1810C>T, p.Arg604Trp (NM_001282662.3); c.1615C>T, p.Arg539Trp (NM_001318139.2); c.1510C>T (NM_020831.3); short protein forms R504W, R539W, R554W, R604W.
Identifiers: ClinVar variation 1683035 (VCV001683035.9), dbSNP rs201900528, ClinGen allele CA10249541.